The following is an entry in ClinVar:

NM_001386140.1(MTTP):c.1168del (p.Gln390fs)

Gene: MTTP (microsomal triglyceride transfer protein; plus strand). Cytogenetic location: 4q23.
Variant type: Deletion.
Coding change: c.1168del on transcript NM_001386140.1 (MANE Select); coding-DNA position 1168, one base deleted (C; older notation c.1168delC).
Protein change: p.Gln390fs; shifts the reading frame from glutamine 390.
Molecular consequence: frameshift variant.
Genome position (GRCh38, 1-based): chr4:99,600,665, C deleted; the last of 2 consecutive C bases (chr4:99,600,664-99,600,665); deleting either gives the same sequence. VCF-style (leftmost placement, unchanged base first): chr4-99600663-TC-T. GRCh37 (hg19) VCF-style: chr4-100521820-TC-T.
Other names: c.1168del, p.Gln390fs (NM_000253.4); c.919del, p.Gln307fs (NM_001300785.2); short protein forms Q307fs, Q390fs.
Identifiers: ClinVar variation 1725111 (VCV001725111.2), dbSNP rs2476124425, ClinGen allele CA2580071915.

ClinVar aggregate classification (germline): Likely pathogenic (1 of 4 stars; one submission).

Conditions:
Abetalipoproteinaemia (ABL). Also called: Abetalipoproteinemia; Abetalipoproteinemia neuropathy; Apolipoprotein B deficiency; Congenital betalipoprotein deficiency syndrome; MTP DEFICIENCY. Identifiers: Orphanet 14, MedGen C0000744, MONDO:0008692, OMIM 200100, HP:0008181.

Submission:

Myriad Genetics, Inc.
Classification: Likely pathogenic for Abetalipoproteinaemia. Last evaluated: 2022-03-08. Review status: criteria provided, single submitter. Criteria: Myriad Women's Health Autosomal Recessive and X-Linked Classification Criteria (2021). Collection method: clinical testing. Allele origin: unknown.
Comment: NM_000253.2(MTTP):c.1168delC(Q390Rfs*19) is expected to be pathogenic in the context of abetalipoproteinemia. This variant is predicted to lead to an abnormal or absent protein product due to the creation of a premature termination codon in MTTP, a gene where loss-of-function variants are known to be pathogenic. Please note: this variant was assessed in the context of healthy population screening.